The following is an entry in ClinVar:

NM_001165963.4(SCN1A):c.3741G>A (p.Thr1247=)

Genes: SCN1A (sodium voltage-gated channel alpha subunit 1; minus strand), LOC102724058 (uncharacterized LOC102724058; plus strand). Cytogenetic location: 2q24.3.
Variant type: single nucleotide variant.
Coding change: c.3741G>A on transcript NM_001165963.4 (MANE Select); coding-DNA position 3741, G replaced by A.
Protein change: p.Thr1247=; no amino-acid change (threonine 1247 retained).
Molecular consequence: synonymous variant. On other transcripts: non-coding transcript variant (1).
Genome position (GRCh38, 1-based): chr2:166,012,247, C>T on the plus strand (G>A on the coding strand, the complement: SCN1A is on the minus strand). VCF-style: chr2-166012247-C-T. GRCh37 (hg19) VCF-style: chr2-166868757-C-T.
Other names: c.3657G>A, p.Thr1219= (NM_001165964.3, NM_001353957.2, NM_001353958.2); c.3741G>A, p.Thr1247= (NM_001202435.3, NM_001353948.2); c.3708G>A, p.Thr1236= (NM_001353949.2, NM_001353950.2, NM_001353951.2 and 2 more transcripts); c.3705G>A, p.Thr1235= (NM_001353954.2, NM_001353955.2); c.3654G>A, p.Thr1218= (NM_001353960.2); c.1299G>A, p.Thr433= (NM_001353961.2); c.3741G>A (NM_001202435.1).
Identifiers: ClinVar variation 516615 (VCV000516615.13), dbSNP rs200745708, ClinGen allele CA59773952.
Genomic context (GRCh38, chr2:166,012,247, plus strand): 5'-CATTTCCAGAATGAAAATGTAAGTGAAAACCTTGTCAGCATATTCCAACATCGTCTTAAT[C>T]GTCTTTCGCTGATCAATATATATATCTTCAAATGCCTATAAAGAAAATGTTACACATTAT-3'
Protein context (NP_001159435.1, residues 1237-1257): FEDIYIDQRK[Thr1247=]IKTMLEYADK

ClinVar aggregate classification (germline): Likely benign. Review status: criteria provided, multiple submitters, no conflicts (2 of 4 stars). 3 submissions from 3 submitters: Likely benign (2). 1 of the submissions does not count toward it. Last evaluated 2025-09-19.

Conditions:
Early-infantile DEE. Also called: Ohtahara syndrome; Early infantile epileptic encephalopathy; Early infantile epileptic encephalopathy with suppression bursts. Identifiers: Orphanet 1934, MedGen C0393706, MONDO:0800491.
SCN1A-related disorder. Also called: SCN1A-related conditions; SCN1A-related condition; SCN1A-related disorders.

Allele frequency attached by ClinVar (database versions not stated): gnomAD 0.00001; TOPMed 0.00001; gnomAD exomes 0.00002; 1000 Genomes Project 0.00020; 1000 Genomes Project 30x 0.00031.
gnomAD v4.1: 21 of 1,609,448 alleles (0.0013%); highest among the groups gnomAD compares: Admixed American, 0.015%; no homozygotes.

Submissions (3):

Labcorp Genetics (formerly Invitae), Labcorp
Classification: Likely benign for Early-infantile DEE. Last evaluated: 2025-09-19. Review status: criteria provided, single submitter. Criteria: Invitae Variant Classification Sherloc (09022015). Collection method: clinical testing. Allele origin: germline.

GeneDx
Classification: Likely benign. Last evaluated: 2017-02-23. Review status: criteria provided, single submitter. Criteria: GeneDx Variant Classification (06012015). Collection method: clinical testing. Allele origin: germline. Affected: yes.
Comment: This variant is considered likely benign or benign based on one or more of the following criteria: it is a conservative change, it occurs at a poorly conserved position in the protein, it is predicted to be benign by multiple in silico algorithms, and/or has population frequency not consistent with disease.

PreventionGenetics, part of Exact Sciences
Classification: Likely benign for SCN1A-related condition. Last evaluated: 2022-02-09. Review status: no assertion criteria provided. Collection method: clinical testing. Allele origin: germline. Not counted in ClinVar's aggregate classification.
Comment: This variant is classified as likely benign based on ACMG/AMP sequence variant interpretation guidelines (Richards et al. 2015 PMID: 25741868, with internal and published modifications).